The following is an entry in ClinVar:

ClinVar aggregate classification (germline): Likely benign (1 of 4 stars; one submission).

Submission:

CeGaT Center for Human Genetics Tuebingen
Classification: Likely benign. Last evaluated: 2025-11-01. Review status: criteria provided, single submitter. Criteria: CeGaT Center For Human Genetics Tuebingen Variant Classification Criteria Version 2. Collection method: clinical testing. Allele origin: germline. Affected: yes. Observed: 1 variant allele.
Comment: STT3A: PM2:Supporting, BP4, BP7

NM_152713.5(STT3A):c.1872C>T (p.Phe624=)

Gene: STT3A (STT3 oligosaccharyltransferase complex catalytic subunit A; plus strand). Cytogenetic location: 11q24.2.
Variant type: single nucleotide variant.
Coding change: c.1872C>T on transcript NM_152713.5 (MANE Select); coding-DNA position 1872, C replaced by T.
Protein change: p.Phe624=; no amino-acid change (phenylalanine 624 retained).
Molecular consequence: synonymous variant.
Genome position (GRCh38, 1-based): chr11:125,618,470, C>T. VCF-style: chr11-125618470-C-T. GRCh37 (hg19) VCF-style: chr11-125488365-C-T.
Other names: c.1872C>T, p.Phe624= (NM_001278503.2); c.1596C>T, p.Phe532= (NM_001278504.2).
Identifiers: ClinVar variation 4681814 (VCV004681814.5).
Genomic context (GRCh38, chr11:125,618,470, plus strand): 5'-GAGCACAGATACAGGCAAACATATCAAGGAGAATGACTATTATACTCCAACTGGGGAGTT[C>T]CGTGTGGACCGTGAAGGTTCTCCAGTGCTGCTCAACTGCCTCATGTACAAGATGTGTTAC-3'
Protein context (NP_689926.1, residues 614-634): ENDYYTPTGE[Phe624=]RVDREGSPVL